The following is an entry in ClinVar:

ClinVar aggregate classification (germline): Conflicting classifications of pathogenicity. Review status: criteria provided, conflicting classifications (1 of 4 stars). 3 submissions from 3 submitters: Likely pathogenic (1); Uncertain significance (2). Last evaluated 2026-09-08.

Conditions:
Fabry disease. Also called: Ceramide trihexosidosis; Fabry's disease; Angiokeratoma corporis diffusum; ALPHA-GALACTOSIDASE A DEFICIENCY; ANDERSON-FABRY DISEASE; CERAMIDE TRIHEXOSIDASE DEFICIENCY. Identifiers: Orphanet 324, MedGen C0002986, MONDO:0010526, OMIM 301500, HP:0001071. Disease mechanism: Fabry disease is due to inactivating mutations in the X-linked GLA gene resulting in deficiency of the enzyme Alpha Galactosidase-A., loss of function.

Submissions (3):

Genomenon, Inc
Classification: Likely pathogenic for Fabry disease. Last evaluated: 2026-09-08. Review status: criteria provided, single submitter. Criteria: Genomenon Sequence Variant Interpretation Standards - Updated. Collection method: curation. Allele origin: germline. Affected: yes.
Comment: GLA p.Val269Glu (c.806T>A) is a missense variant that changes the amino acid at codon 269 from Valine to Glutamic acid. This variant has been observed in at least one proband with clinical features consistent with Fabry disease (PMID:30834538;28682471;39669636). At least one functional study has demonstrated a substantial alteration in protein function relative to the wild-type (PMID:27657681). It is absent or not present at a significant frequency in gnomAD. In silico models predict that this variant is possibly or probably damaging. In conclusion, we classify GLA p.Val269Glu (c.806T>A) as a likely pathogenic variant.

Revvity Omics, Revvity
Classification: Uncertain significance. Last evaluated: 2021-07-27. Review status: criteria provided, single submitter. Criteria: ACMG Guidelines, 2015. Collection method: clinical testing. Allele origin: germline.

Eurofins Ntd Llc (ga)
Classification: Uncertain significance. Last evaluated: 2015-06-30. Review status: criteria provided, single submitter. Criteria: EGL Classification Definitions 2015. Collection method: clinical testing. Allele origin: germline.

Literature cited by the submitters: PubMed 30834538 (cited by Genomenon, Inc); PubMed 28682471 (cited by Genomenon, Inc); PubMed 39669636 (cited by Genomenon, Inc); PubMed 27657681 (cited by Genomenon, Inc).

NM_000169.3(GLA):c.806T>A (p.Val269Glu)

Genes: GLA (galactosidase alpha; minus strand), RPL36A-HNRNPH2 (RPL36A-HNRNPH2 readthrough; plus strand). Cytogenetic location: Xq22.1.
Variant type: single nucleotide variant.
Coding change: c.806T>A on transcript NM_000169.3 (MANE Select); coding-DNA position 806, T replaced by A.
Protein change: p.Val269Glu; replaces valine 269 with glutamic acid.
Molecular consequence: missense variant. On other transcripts: non-coding transcript variant (3), intron variant (2).
Genome position (GRCh38, 1-based): chrX:101,398,563, A>T on the plus strand (T>A on the coding strand, the complement: GLA is on the minus strand). VCF-style: chrX-101398563-A-T. GRCh37 (hg19) VCF-style: chrX-100653551-A-T.
Other names: c.929T>A, p.Val310Glu (NM_001406747.1); c.806T>A, p.Val269Glu (NM_001406748.1); c.300+3106A>T (NM_001199973.2); c.177+6741A>T (NM_001199974.2); short protein forms V269E, V310E.
Identifiers: ClinVar variation 281865 (VCV000281865.10), dbSNP rs28935488, ClinGen allele CA10603987.